The following is an entry in ClinVar:

NM_000424.4(KRT5):c.*263T>C

Gene: KRT5 (keratin 5; minus strand). Cytogenetic location: 12q13.13.
Variant type: single nucleotide variant.
Coding change: c.*263T>C on transcript NM_000424.4 (MANE Select); 263 bases downstream of the stop codon, T replaced by C.
Molecular consequence: 3 prime UTR variant.
Genome position (GRCh38, 1-based): chr12:52,514,679, A>G on the plus strand (T>C on the coding strand, the complement: KRT5 is on the minus strand). VCF-style: chr12-52514679-A-G. GRCh37 (hg19) VCF-style: chr12-52908463-A-G.
Identifiers: ClinVar variation 309549 (VCV000309549.5), dbSNP rs543314808, ClinGen allele CA10637972.

ClinVar aggregate classification (germline): Benign (1 of 4 stars; one submission).

Conditions:
Epidermolysis bullosa simplex. Also called: Epidermolysis bullosa simplex, Weber-Cockayne type (subtype); Epidermolysis bullosa simplex, Dowling-Meara type (subtype); Epidermolysis bullosa simplex with mottled pigmentation (subtype). Identifiers: Orphanet 304, MedGen C0079298, MONDO:0017610.

Allele frequency attached by ClinVar (database versions not stated): 1000 Genomes Project 0.00060; 1000 Genomes Project 30x 0.00078; gnomAD 0.00133 and 0.00140; TOPMed 0.00142; gnomAD exomes 0.00168.
gnomAD v4.1: 755 of 478,610 alleles (0.16%); highest among the groups gnomAD compares: Middle Eastern, 0.27%; 1 homozygote.

Submission:

Illumina Laboratory Services, Illumina
Classification: Benign for Epidermolysis bullosa simplex. Last evaluated: 2018-01-13. Review status: criteria provided, single submitter. Criteria: ICSL Variant Classification Criteria 13 December 2019. Collection method: clinical testing. Allele origin: germline.
Comment: This variant was observed in the ICSL laboratory as part of a predisposition screen in an ostensibly healthy population. It had not been previously curated by ICSL or reported in the Human Gene Mutation Database (HGMD: prior to June 1st, 2018), and was therefore a candidate for classification through an automated scoring system. Utilizing variant allele frequency, disease prevalence and penetrance estimates, and inheritance mode, an automated score was calculated to assess if this variant is too frequent to cause the disease. Based on the score and internal cut-off values, a variant classified as benign is not then subjected to further curation. The score for this variant resulted in a classification of benign for this disease.